The following is an entry in ClinVar:

ClinVar aggregate classification (germline): Benign (1 of 4 stars; one submission).

Allele frequency attached by ClinVar (database versions not stated): gnomAD exomes 0.00276; gnomAD 0.02564 and 0.02738; TOPMed 0.02977; 1000 Genomes Project 0.02995; 1000 Genomes Project 30x 0.03170.
gnomAD v4.1: 5,583 of 748,176 alleles (0.75%); highest among the groups gnomAD compares: African/African-American, 8.8%; 224 homozygotes.

Submission:

GeneDx
Classification: Benign. Last evaluated: 2018-06-14. Review status: criteria provided, single submitter. Criteria: GeneDx Variant Classification (06012015). Collection method: clinical testing. Allele origin: germline. Affected: yes.
Comment: This variant is considered likely benign or benign based on one or more of the following criteria: it is a conservative change, it occurs at a poorly conserved position in the protein, it is predicted to be benign by multiple in silico algorithms, and/or has population frequency not consistent with disease.

NM_022114.4(PRDM16):c.3696+126G>A

Gene: PRDM16 (PR/SET domain 16; plus strand). Cytogenetic location: 1p36.32.
Variant type: single nucleotide variant.
Coding change: c.3696+126G>A on transcript NM_022114.4 (MANE Select); 126 bases into the intron after coding-DNA position 3696, G replaced by A.
Molecular consequence: intron variant.
Genome position (GRCh38, 1-based): chr1:3,432,266, G>A. VCF-style: chr1-3432266-G-A. GRCh37 (hg19) VCF-style: chr1-3348830-G-A.
Other names: c.3696+126G>A (NM_199454.3).
Identifiers: ClinVar variation 676341 (VCV000676341.1), dbSNP rs2493273, ClinGen allele CA16991622.